The following is an entry in ClinVar:

NM_001191061.2(SLC25A22):c.146+9G>A

Gene: SLC25A22 (solute carrier family 25 member 22; minus strand). Cytogenetic location: 11p15.5.
Variant type: single nucleotide variant.
Coding change: c.146+9G>A on transcript NM_001191061.2 (MANE Select); 9 bases into the intron after coding-DNA position 146, G replaced by A.
Molecular consequence: intron variant.
Genome position (GRCh38, 1-based): chr11:794,767, C>T on the plus strand (G>A on the coding strand, the complement: SLC25A22 is on the minus strand). VCF-style: chr11-794767-C-T. GRCh37 (hg19) VCF-style: chr11-794767-C-T.
Other names: c.146+9G>A (NM_001191060.2, NM_024698.6).
Identifiers: ClinVar variation 509657 (VCV000509657.9), dbSNP rs1205601942, ClinGen allele CA597022053.

ClinVar aggregate classification (germline): Likely benign. Review status: criteria provided, multiple submitters, no conflicts (2 of 4 stars). 2 submissions from 2 submitters: Likely benign (2). Last evaluated 2025-07-13.

Conditions:
Early-infantile DEE. Also called: Ohtahara syndrome; Early infantile epileptic encephalopathy; Early infantile epileptic encephalopathy with suppression bursts. Identifiers: Orphanet 1934, MedGen C0393706, MONDO:0800491.

Allele frequency attached by ClinVar (database versions not stated): TOPMed below 0.00001; gnomAD exomes 0.00001.

Submissions (2):

Labcorp Genetics (formerly Invitae), Labcorp
Classification: Likely benign for Early-infantile DEE. Last evaluated: 2025-07-13. Review status: criteria provided, single submitter. Criteria: Invitae Variant Classification Sherloc (09022015). Collection method: clinical testing. Allele origin: germline.

GeneDx
Classification: Likely benign. Last evaluated: 2017-05-19. Review status: criteria provided, single submitter. Criteria: GeneDx Variant Classification (06012015). Collection method: clinical testing. Allele origin: germline. Affected: yes.
Comment: This variant is considered likely benign or benign based on one or more of the following criteria: it is a conservative change, it occurs at a poorly conserved position in the protein, it is predicted to be benign by multiple in silico algorithms, and/or has population frequency not consistent with disease.